The following is an entry in ClinVar:

ClinVar aggregate classification (germline): Likely benign (1 of 4 stars; one submission).

Submission:

CeGaT Center for Human Genetics Tuebingen
Classification: Likely benign. Last evaluated: 2025-03-01. Review status: criteria provided, single submitter. Criteria: CeGaT Center For Human Genetics Tuebingen Variant Classification Criteria Version 2. Collection method: clinical testing. Allele origin: germline. Affected: yes. Observed: 1 variant allele.
Comment: TAS2R43: PM2:Supporting, BP4, BP7

NM_176884.2(TAS2R43):c.456T>A (p.Ile152=)

Genes: PRH1 (proline rich protein HaeIII subfamily 1; minus strand), PRH1-PRR4 (PRH1-PRR4 readthrough; minus strand), PRH1-TAS2R14 (PRH1-TAS2R14 readthrough; minus strand), TAS2R43 (taste 2 receptor member 43; minus strand). Cytogenetic location: 12p13.2.
Variant type: single nucleotide variant.
Coding change: c.456T>A on transcript NM_176884.2 (MANE Select); coding-DNA position 456, T replaced by A.
Protein change: p.Ile152=; no amino-acid change (isoleucine 152 retained).
Molecular consequence: synonymous variant. On other transcripts: intron variant (3).
Genome position (GRCh38, 1-based): chr12:11,091,774, A>T on the plus strand (T>A on the coding strand, the complement: TAS2R43 is on the minus strand). VCF-style: chr12-11091774-A-T. GRCh37 (hg19) VCF-style: chr12-11244373-A-T.
Other names: c.-133-44586T>A (NM_001291315.2, NM_001316893.2); c.-294-44586T>A (NM_001291314.2).
Identifiers: ClinVar variation 3778288 (VCV003778288.7).
Genomic context (GRCh38, chr12:11,091,774, plus strand): 5'-CATTGCACTCTTCAATTTGATCTTCCAAGTCATGTTTCCTTCAAATTCTTTTGTCCGCAC[A>T]ATCTCATTCATGTTTATCACAAAAAGATGACAAGCCAAAAATAGCAAAGGCCCCAACAAC-3'
Protein context (NP_795365.2, residues 142-162): CHLFVINMNE[Ile152=]VRTKEFEGNM